The following is an entry in ClinVar:

ClinVar aggregate classification (germline): Uncertain significance. Review status: criteria provided, multiple submitters, no conflicts (2 of 4 stars). 2 submissions from 2 submitters: Uncertain significance (2). Last evaluated 2024-08-15.

Conditions:
Hypertrophic osteoarthropathy, primary, autosomal recessive, 1 (PHOAR1). Also called: PHO, AUTOSOMAL RECESSIVE. Identifiers: Orphanet 1525, Orphanet 2796, MedGen C4551679, MONDO:0024546, OMIM 259100.

Allele frequency attached by ClinVar (database versions not stated): gnomAD 0.00001; gnomAD exomes 0.00001; TOPMed 0.00001; ExAC 0.00002.
gnomAD v4.1: 17 of 1,590,642 alleles (0.0011%); highest among the groups gnomAD compares: Non-Finnish European, 0.0015%; no homozygotes.

Submissions (2):

Labcorp Genetics (formerly Invitae), Labcorp
Classification: Uncertain significance. Last evaluated: 2024-08-15. Review status: criteria provided, single submitter. Criteria: Invitae Variant Classification Sherloc (09022015). Collection method: clinical testing. Allele origin: germline.
Comment: This sequence change replaces glycine, which is neutral and non-polar, with glutamic acid, which is acidic and polar, at codon 114 of the HPGD protein (p.Gly114Glu). This variant is present in population databases (rs750560431, gnomAD 0.002%). This variant has not been reported in the literature in individuals affected with HPGD-related conditions. ClinVar contains an entry for this variant (Variation ID: 2572459). An algorithm developed to predict the effect of missense changes on protein structure and function (PolyPhen-2) suggests that this variant is likely to be disruptive. In summary, the available evidence is currently insufficient to determine the role of this variant in disease. Therefore, it has been classified as a Variant of Uncertain Significance.

3billion
Classification: Uncertain significance for Hypertrophic osteoarthropathy, primary, autosomal recessive, 1. Review status: criteria provided, single submitter. Criteria: ACMG Guidelines, 2015. Collection method: clinical testing. Allele origin: unknown. Affected: yes. Observed: 1 homozygote.
Comment: The variant is observed at an extremely low frequency in the gnomAD v2.1.1 dataset (total allele frequency: <0.001%). In silico tool predictions suggest damaging effect of the variant on gene or gene product (REVEL: 0.84; 3Cnet: 0.15). Therefore, this variant is classified as Uncertain significance according to the recommendation of ACMG/AMP guideline.

NM_000860.6(HPGD):c.341G>A (p.Gly114Glu)

Gene: HPGD (15-hydroxyprostaglandin dehydrogenase; minus strand). Cytogenetic location: 4q34.1.
Variant type: single nucleotide variant.
Coding change: c.341G>A on transcript NM_000860.6 (MANE Select); coding-DNA position 341, G replaced by A.
Protein change: p.Gly114Glu; replaces glycine 114 with glutamic acid.
Molecular consequence: missense variant. On other transcripts: 5 prime UTR variant (2), intron variant (1).
Genome position (GRCh38, 1-based): chr4:174,508,776, C>T on the plus strand (G>A on the coding strand, the complement: HPGD is on the minus strand). VCF-style: chr4-174508776-C-T. GRCh37 (hg19) VCF-style: chr4-175429927-C-T.
Other names: c.341G>A, p.Gly114Glu (NM_001145816.3, NM_001256305.2, NM_001363574.2); c.-23G>A (NM_001256301.1, NM_001256307.2); c.218-13152G>A (NM_001256306.2); short protein forms G114E.
Identifiers: ClinVar variation 2572459 (VCV002572459.3), dbSNP rs750560431, ClinGen allele CA3142307.
Genomic context (GRCh38, chr4:174,508,776, plus strand): 5'-ATAATGATGCCGCCTTCACCTCCATTTTGCTTACTCATGTAATCCAAACCAAGATAGGTT[C>T]CACTGATAACAGAAACCTAATCCAGAGGCATAAGTGAGAAAAGGAATACAGTCATTATCC-3'
Protein context (NP_000851.2, residues 104-124): LQINLVSVIS[Gly114Glu]TYLGLDYMSK